The following is an entry in ClinVar:

ClinVar aggregate classification (germline): Likely benign (0 of 4 stars; one submission).

Conditions:
ARHGEF4-related disorder. Also called: ARHGEF4-related condition.

Allele frequency attached by ClinVar (database versions not stated): ExAC 0.00030; gnomAD exomes 0.00075; ESP Exome Variant Server 0.00046; 1000 Genomes Project 30x 0.00047; gnomAD 0.00034; 1000 Genomes Project 0.00060; TOPMed 0.00041.
gnomAD v4.1: 1,133 of 1,613,878 alleles (0.07%); highest among the groups gnomAD compares: Non-Finnish European, 0.091%; 3 homozygotes.

Submissions (2):

PreventionGenetics, part of Exact Sciences
Classification: Likely benign for ARHGEF4-related condition. Last evaluated: 2019-03-21. Review status: no assertion criteria provided. Collection method: clinical testing. Allele origin: germline.
Comment: This variant is classified as likely benign based on ACMG/AMP sequence variant interpretation guidelines (Richards et al. 2015 PMID: 25741868, with internal and published modifications).

Dr. Peter K. Rogan Lab, Western University
No classification provided (evidence only). Condition: Malignant tumor of urinary bladder. Review status: no classification provided. Collection method: in vitro. Allele origin: not applicable. Functional consequence: retained intron. Not counted in ClinVar's aggregate classification.

NM_001367493.1(ARHGEF4):c.3985G>A (p.Ala1329Thr)

Gene: ARHGEF4 (Rho guanine nucleotide exchange factor 4; plus strand). Cytogenetic location: 2q21.1.
Variant type: single nucleotide variant.
Coding change: c.3985G>A on transcript NM_001367493.1 (MANE Select); coding-DNA position 3985, G replaced by A.
Protein change: p.Ala1329Thr; replaces alanine 1329 with threonine.
Molecular consequence: missense variant.
Genome position (GRCh38, 1-based): chr2:130,946,635, G>A. VCF-style: chr2-130946635-G-A. GRCh37 (hg19) VCF-style: chr2-131704208-G-A.
Other names: NC_000002.11:g.131704208G>A; c.472G>A, p.Ala158Thr (NM_001375900.1); c.316G>A, p.Ala106Thr (NM_001375901.1); c.427G>A, p.Ala143Thr (NM_015320.4); short protein forms A106T, A1329T, A143T, A158T.
Identifiers: ClinVar variation 3048565 (VCV003048565.3), dbSNP rs146970275, ClinGen allele CA1874953.
Genomic context (GRCh38, chr2:130,946,635, plus strand): 5'-TCCCAGAGTGCTCCAACGGGACTGAACCACATGGGCTGGCCAGAGCACACACCAGGCACT[G>A]GTGAGTTACGCGCCTCTCTCTTTTGCTATGTACTCTGGATCCTGGCATGAAGGACAAGAA-3'
Protein context (NP_001354422.1, residues 1319-1339): MGWPEHTPGT[Ala1329Thr]MPDGALDTAV